The following is an entry in ClinVar:

ClinVar aggregate classification (germline): Conflicting classifications of pathogenicity. Review status: criteria provided, conflicting classifications (1 of 4 stars). 5 submissions from 5 submitters: Uncertain significance (2); Likely benign (3). Last evaluated 2026-01-20.

Conditions:
Intestinal hypomagnesemia 1. Also called: HYPOMAGNESEMIA, INTESTINAL, WITH SECONDARY HYPOCALCEMIA; HYPOMAGNESEMIC TETANY. Identifiers: Orphanet 30924, MedGen C1865974, MONDO:0011176, OMIM 602014.
TRPM6-related disorder. Also called: TRPM6-related condition.

Allele frequency attached by ClinVar (database versions not stated): ESP Exome Variant Server 0.00023; gnomAD exomes 0.00031 and 0.00046; ExAC 0.00035; gnomAD 0.00038 and 0.00042; TOPMed 0.00060.
gnomAD v4.1: 531 of 1,613,974 alleles (0.033%); highest among the groups gnomAD compares: Admixed American, 0.12%; no homozygotes.

Submissions (5):

Labcorp Genetics (formerly Invitae), Labcorp
Classification: Likely benign. Last evaluated: 2026-01-20. Review status: criteria provided, single submitter. Criteria: Invitae Variant Classification Sherloc (09022015). Collection method: clinical testing. Allele origin: germline.

PreventionGenetics, part of Exact Sciences
Classification: Likely benign for TRPM6-related condition. Last evaluated: 2025-06-04. Review status: criteria provided, single submitter. Criteria: ACMG Guidelines, 2015. Collection method: clinical testing. Allele origin: germline.
Comment: This variant is classified as likely benign based on ACMG/AMP sequence variant interpretation guidelines (Richards et al. 2015 PMID: 25741868, with internal and published modifications).

Fulgent Genetics
Classification: Likely benign for Intestinal hypomagnesemia 1. Last evaluated: 2024-02-22. Review status: criteria provided, single submitter. Criteria: ACMG Guidelines, 2015. Collection method: clinical testing. Allele origin: germline.

Department of Pathology and Laboratory Medicine, Sinai Health System
Classification: Uncertain significance for Intestinal hypomagnesemia 1. Last evaluated: 2021-09-11. Review status: criteria provided, single submitter. Criteria: ACMG Guidelines, 2015. Collection method: research. Allele origin: germline.

Illumina Laboratory Services, Illumina
Classification: Uncertain significance for Intestinal hypomagnesemia 1. Last evaluated: 2018-01-13. Review status: criteria provided, single submitter. Criteria: ICSL Variant Classification Criteria 13 December 2019. Collection method: clinical testing. Allele origin: germline.

NM_017662.5(TRPM6):c.2920A>G (p.Thr974Ala)

Gene: TRPM6 (transient receptor potential cation channel subfamily M member 6; minus strand). Cytogenetic location: 9q21.13.
Variant type: single nucleotide variant.
Coding change: c.2920A>G on transcript NM_017662.5 (MANE Select); coding-DNA position 2920, A replaced by G.
Protein change: p.Thr974Ala; replaces threonine 974 with alanine.
Molecular consequence: missense variant.
Genome position (GRCh38, 1-based): chr9:74,782,853, T>C on the plus strand (A>G on the coding strand, the complement: TRPM6 is on the minus strand). VCF-style: chr9-74782853-T-C. GRCh37 (hg19) VCF-style: chr9-77397769-T-C.
Other names: c.2905A>G, p.Thr969Ala (NM_001177310.2, NM_001177311.2); short protein forms T974A, T969A.
Identifiers: ClinVar variation 914454 (VCV000914454.14), dbSNP rs148603803, ClinGen allele CA5084415.